The following is an entry in ClinVar:

NM_019892.6(INPP5E):c.1021G>A (p.Gly341Ser)

Gene: INPP5E (inositol polyphosphate-5-phosphatase E; minus strand). Cytogenetic location: 9q34.3.
Variant type: single nucleotide variant.
Coding change: c.1021G>A on transcript NM_019892.6 (MANE Select); coding-DNA position 1021, G replaced by A.
Protein change: p.Gly341Ser; replaces glycine 341 with serine.
Molecular consequence: missense variant.
Genome position (GRCh38, 1-based): chr9:136,434,050, C>T on the plus strand (G>A on the coding strand, the complement: INPP5E is on the minus strand). VCF-style: chr9-136434050-C-T. GRCh37 (hg19) VCF-style: chr9-139328502-C-T.
Other names: c.1021G>A, p.Gly341Ser (NM_001318502.2); short protein forms G341S.
Identifiers: ClinVar variation 217661 (VCV000217661.14), dbSNP rs780882740, ClinGen allele CA277795.
Genomic context (GRCh38, chr9:136,434,050, plus strand): 5'-AGACGGCAGCCCCTGGGCAGGCACTGCAGGGCCTGCAGCCGCCCTACCTGTCAGAACAGC[C>T]CTCCTGGACCCCGATGACATACAGGTCCTGGGCATAGTCGGCCTCGGCTGGGAGCAGGAA-3'
Protein context (NP_063945.2, residues 331-351): QDLYVIGVQE[Gly341Ser]CSDRREWETR

ClinVar aggregate classification (germline): Conflicting classifications of pathogenicity. Review status: criteria provided, conflicting classifications (1 of 4 stars). 5 submissions from 5 submitters: Pathogenic (2); Uncertain significance (2). 1 of the submissions does not count toward it. Last evaluated 2026-01-21.

Conditions:
Joubert syndrome 1 (JBTS1). Also called: CEREBELLOPARENCHYMAL DISORDER IV; Cerebellooculorenal syndrome 1. Identifiers: MedGen C4551568, MONDO:0008944, OMIM 213300.
Joubert syndrome. Also called: Familial aplasia of the vermis; JOUBERT-BOLTSHAUSER SYNDROME. Identifiers: Orphanet 475, MedGen C5979921, MONDO:0018772.

Allele frequency attached by ClinVar (database versions not stated): TOPMed below 0.00001; ExAC 0.00001; gnomAD exomes 0.00001.
gnomAD v4.1: 22 of 1,608,890 alleles (0.0014%); highest among the groups gnomAD compares: Non-Finnish European, 0.0017%; no homozygotes.

Submissions (5):

Labcorp Genetics (formerly Invitae), Labcorp
Classification: Pathogenic for Joubert syndrome. Last evaluated: 2026-01-21. Review status: criteria provided, single submitter. Criteria: Invitae Variant Classification Sherloc (09022015). Collection method: clinical testing. Allele origin: germline.
Comment: This sequence change replaces glycine, which is neutral and non-polar, with serine, which is neutral and polar, at codon 341 of the INPP5E protein (p.Gly341Ser). This variant is present in population databases (rs780882740, gnomAD 0.002%). This missense change has been observed in individual(s) with Joubert syndrome (PMID: 26092869). ClinVar contains an entry for this variant (Variation ID: 217661). Invitae Evidence Modeling of protein sequence and biophysical properties (such as structural, functional, and spatial information, amino acid conservation, physicochemical variation, residue mobility, and thermodynamic stability) has been performed for this missense variant. However, the output from this modeling did not meet the statistical confidence thresholds required to predict the impact of this variant on INPP5E protein function. For these reasons, this variant has been classified as Pathogenic.

GeneDx
Classification: Uncertain significance. Last evaluated: 2025-03-20. Review status: criteria provided, single submitter. Criteria: GeneDx Variant Classification Process June 2021. Collection method: clinical testing. Allele origin: germline. Affected: yes.
Comment: Previously identified in individuals with Joubert syndrome who harbored a second INPP5E variant; however, segregation to determine the phase of the variants was not reported (PMID: 26092869); Not observed at significant frequency in large population cohorts (gnomAD); In silico analysis indicates that this missense variant does not alter protein structure/function; This variant is associated with the following publications: (PMID: 23386033, 31964843, 26092869)

Blueprint Genetics
Classification: Uncertain significance. Last evaluated: 2019-11-20. Review status: criteria provided, single submitter. Criteria: ACMG Guidelines, 2015. Collection method: clinical testing. Allele origin: germline.

UW Hindbrain Malformation Research Program, University of Washington
Classification: Pathogenic for Joubert syndrome 1. Last evaluated: 2015-02-23. Review status: criteria provided, single submitter. Criteria: Bachmann-Gagescu et al. (J Med Genet. 2015). Collection method: research. Allele origin: unknown. Affected: yes.

Broad Center for Mendelian Genomics, Broad Institute of MIT and Harvard
Classification: Uncertain significance for Joubert syndrome 1. Last evaluated: 2020-11-16. Review status: no assertion criteria provided. Collection method: curation. Allele origin: germline. Inheritance: Autosomal recessive inheritance. Not counted in ClinVar's aggregate classification.
Comment: The variant has been reported in 3 individuals of unknown ethnicity with Joubert syndrome 1 (PMID: 26092869), and has been identified in 0.002% (2/109550) of European non-Finnish chromosomes by the Genome Aggregation Database (gnomAD; dbSNP ID: rs780882740). Although this variant has been seen in the general population, its frequency is low enough to be consistent with a recessive carrier frequency. This variant has also been reported in ClinVar (Variation ID: 217661) as pathogenic by UW Hindbrain Malformation Research Program, University of Washington. Computational prediction tools and conservation analyses do not provide strong support for or against an impact to the protein. The phenotype of an individual heterozygous for this variant is highly specific for Joubert syndrome 1 based on unique phenotype consistent with disease. In summary, while there is some suspicion for a pathogenic role, the clinical significance of this variant is uncertain. ACMG/AMP Criteria applied: PM2, PP4 (Richards 2015).

Literature cited by the submitters: PubMed 26092869 (cited by Labcorp Genetics (formerly Invitae), Labcorp).